The following is an entry in ClinVar:

ClinVar aggregate classification (germline): Conflicting classifications of pathogenicity. Review status: criteria provided, conflicting classifications (1 of 4 stars). 4 submissions from 4 submitters: Uncertain significance (1); Likely benign (1). 2 of the submissions do not count toward it. Last evaluated 2025-08-09.

Conditions:
Wolman disease (WOLD). Also called: Wolman disease with hypolipoproteinemia and acanthocytosis; LYSOSOMAL ACID LIPASE DEFICIENCY, ACUTE INFANTILE; LYSOSOMAL ACID LIPASE DEFICIENCY, COMPLETE; LIPA DEFICIENCY, COMPLETE; LAL DEFICIENCY, COMPLETE; CHOLESTEROL ESTER HYDROLASE DEFICIENCY, COMPLETE. Identifiers: Orphanet 75233, MedGen C0043208, MONDO:0019148, OMIM 620151.
Lysosomal acid lipase deficiency. Also called: Acid cholesteryl ester hydrolase deficiency, type 2. Identifiers: Orphanet 275761, MedGen C5574740, MONDO:0800449, MONDO:0010204.
LIPA-related disorder. Also called: LIPA-related condition; LIPA-related disorders.

Allele frequency attached by ClinVar (database versions not stated): gnomAD 0.00001; TOPMed 0.00002.
gnomAD v4.1: 2 of 1,614,092 alleles (0.00012%); highest among the groups gnomAD compares: Admixed American, 0.0017%; no homozygotes.

Submissions (4):

Labcorp Genetics (formerly Invitae), Labcorp
Classification: Likely benign for Wolman disease. Last evaluated: 2025-08-09. Review status: criteria provided, single submitter. Criteria: Invitae Variant Classification Sherloc (09022015). Collection method: clinical testing. Allele origin: germline.

Illumina Laboratory Services, Illumina
Classification: Uncertain significance for Cholesteryl ester storage disease. Last evaluated: 2018-01-12. Review status: criteria provided, single submitter. Criteria: ICSL Variant Classification Criteria 13 December 2019. Collection method: clinical testing. Allele origin: germline.

PreventionGenetics, part of Exact Sciences
Classification: Likely benign for LIPA-related condition. Last evaluated: 2024-04-16. Review status: no assertion criteria provided. Collection method: clinical testing. Allele origin: germline. Not counted in ClinVar's aggregate classification.
Comment: This variant is classified as likely benign based on ACMG/AMP sequence variant interpretation guidelines (Richards et al. 2015 PMID: 25741868, with internal and published modifications).

Natera, Inc.
Classification: Likely benign for Lysosomal acid lipase deficiency. Last evaluated: 2020-10-24. Review status: no assertion criteria provided. Collection method: clinical testing. Allele origin: germline. Not counted in ClinVar's aggregate classification.

NM_000235.4(LIPA):c.318C>T (p.Phe106=)

Gene: LIPA (lipase A, lysosomal acid type; minus strand). Cytogenetic location: 10q23.31.
Variant type: single nucleotide variant.
Coding change: c.318C>T on transcript NM_000235.4 (MANE Select); coding-DNA position 318, C replaced by T.
Protein change: p.Phe106=; no amino-acid change (phenylalanine 106 retained).
Molecular consequence: synonymous variant. On other transcripts: 5 prime UTR variant (1).
Genome position (GRCh38, 1-based): chr10:89,228,310, G>A on the plus strand (C>T on the coding strand, the complement: LIPA is on the minus strand). VCF-style: chr10-89228310-G-A. GRCh37 (hg19) VCF-style: chr10-90988067-G-A.
Other names: c.318C>T, p.Phe106= (NM_001127605.3); c.-31C>T (NM_001288979.2).
Identifiers: ClinVar variation 766587 (VCV000766587.18), dbSNP rs1438679981, ClinGen allele CA470739053.